The following is an entry in ClinVar:

NM_198578.4(LRRK2):c.2653A>G (p.Ser885Gly)

Gene: LRRK2 (leucine rich repeat kinase 2; plus strand). Cytogenetic location: 12q12.
Variant type: single nucleotide variant.
Coding change: c.2653A>G on transcript NM_198578.4 (MANE Select); coding-DNA position 2653, A replaced by G.
Protein change: p.Ser885Gly; replaces serine 885 with glycine.
Molecular consequence: missense variant.
Genome position (GRCh38, 1-based): chr12:40,287,503, A>G. VCF-style: chr12-40287503-A-G. GRCh37 (hg19) VCF-style: chr12-40681305-A-G.
Other names: short protein forms S885G.
Identifiers: ClinVar variation 1499536 (VCV001499536.10), dbSNP rs1458719728, ClinGen allele CA384409101.
Genomic context (GRCh38, chr12:40,287,503, plus strand): 5'-TCTGAAGATGTGCTGTCTAAATTTGATGAATGGACCTTTATTCCTGACTCTTCTATGGAC[A>G]GTGTGTTTGCTCAAAGTGATGACCTGGATAGTGAAGGTATTTATTATAAAAAAAAACCCT-3'
Protein context (NP_940980.4, residues 875-895): WTFIPDSSMD[Ser885Gly]VFAQSDDLDS

ClinVar aggregate classification (germline): Uncertain significance. Review status: criteria provided, multiple submitters, no conflicts (2 of 4 stars). 2 submissions from 2 submitters: Uncertain significance (2). Last evaluated 2024-03-28.

Conditions:
Inborn genetic diseases. Identifiers: MedGen C0950123, MeSH D030342.
Autosomal dominant Parkinson disease 8. Also called: LRRK2-Related Parkinson Disease; Parkinson disease 8; Parkinson disease 8, susceptibility to. Identifiers: Orphanet 411602, MedGen C1846862, MONDO:0011764, OMIM 607060.

Allele frequency attached by ClinVar (database versions not stated): gnomAD exomes below 0.00001.
gnomAD v4.1: 3 of 1,612,674 alleles (0.00019%); highest among the groups gnomAD compares: Admixed American, 0.0017%; no homozygotes.

Submissions (2):

Ambry Genetics
Classification: Uncertain significance for Inborn genetic diseases. Last evaluated: 2024-03-28. Review status: criteria provided, single submitter. Criteria: Ambry Variant Classification Scheme 2023. Collection method: clinical testing. Allele origin: germline.
Comment: The p.S885G variant (also known as c.2653A>G), located in coding exon 20 of the LRRK2 gene, results from an A to G substitution at nucleotide position 2653. The serine at codon 885 is replaced by glycine, an amino acid with similar properties. This amino acid position is conserved. In addition, this alteration is predicted to be tolerated by in silico analysis. Since supporting evidence is limited at this time, the clinical significance of this alteration remains unclear.

Labcorp Genetics (formerly Invitae), Labcorp
Classification: Uncertain significance for Autosomal dominant Parkinson disease 8. Last evaluated: 2021-04-23. Review status: criteria provided, single submitter. Criteria: Invitae Variant Classification Sherloc (09022015). Collection method: clinical testing. Allele origin: germline.
Comment: Algorithms developed to predict the effect of missense changes on protein structure and function (SIFT, PolyPhen-2, Align-GVGD) all suggest that this variant is likely to be tolerated, but these predictions have not been confirmed by published functional studies and their clinical significance is uncertain. Algorithms developed to predict the effect of sequence changes on RNA splicing suggest that this variant may create or strengthen a splice site, but this prediction has not been confirmed by published transcriptional studies. In summary, the available evidence is currently insufficient to determine the role of this variant in disease. Therefore, it has been classified as a Variant of Uncertain Significance. This variant has not been reported in the literature in individuals with LRRK2-related conditions. This variant is not present in population databases (ExAC no frequency). This sequence change replaces serine with glycine at codon 885 of the LRRK2 protein (p.Ser885Gly). The serine residue is weakly conserved and there is a small physicochemical difference between serine and glycine.